The following is an entry in ClinVar:

NC_000019.9:g.(?_17943332)_(17949808_?)del

Gene: JAK3 (Janus kinase 3; minus strand). Cytogenetic location: 19p13.11.
Variant type: Deletion.
Identifiers: ClinVar variation 3248439 (VCV003248439.1).

ClinVar aggregate classification (germline): Pathogenic (1 of 4 stars; one submission).

Conditions:
T-B+ severe combined immunodeficiency due to JAK3 deficiency. Also called: SCID, T CELL-NEGATIVE, B CELL-POSITIVE, NK CELL-NEGATIVE; SCID, autosomal recessive, T-negative/B-positive type. Identifiers: Orphanet 35078, MedGen C1833275, MONDO:0010938, OMIM 600802.

Submission:

Labcorp Genetics (formerly Invitae), Labcorp
Classification: Pathogenic for T-B+ severe combined immunodeficiency due to JAK3 deficiency. Last evaluated: 2023-03-22. Review status: criteria provided, single submitter. Criteria: Invitae Variant Classification Sherloc (09022015). Collection method: clinical testing. Allele origin: unknown.
Comment: For these reasons, this variant has been classified as Pathogenic. This variant disrupts a region of the JAK3 protein in which other variant(s) (p.Arg775His) have been determined to be pathogenic (PMID: 28916186, 31440277, 32445296; Invitae). This suggests that this is a clinically significant region of the protein, and that variants that disrupt it are likely to be disease-causing. This variant has not been reported in the literature in individuals affected with JAK3-related conditions. This variant results in the deletion of exons 11-18 and part of exon 19 (c.1441+478_2676del) of the JAK3 gene. It is expected to disrupt RNA splicing. Variants that disrupt the donor or acceptor splice site typically lead to a loss of protein function (PMID: 16199547), and loss-of-function variants in JAK3 are known to be pathogenic (PMID: 7481768, 11668621).

Literature cited by the submitters: PubMed 28916186; PubMed 31440277; PubMed 32445296; PubMed 16199547; PubMed 7481768; PubMed 11668621.